The following is an entry in ClinVar:

NM_004329.3(BMPR1A):c.1325G>T (p.Arg442Leu)

Gene: BMPR1A (bone morphogenetic protein receptor type 1A; plus strand). Cytogenetic location: 10q23.2.
Variant type: single nucleotide variant.
Coding change: c.1325G>T on transcript NM_004329.3 (MANE Select); coding-DNA position 1325, G replaced by T.
Protein change: p.Arg442Leu; replaces arginine 442 with leucine.
Molecular consequence: missense variant. On other transcripts: non-coding transcript variant (3).
Genome position (GRCh38, 1-based): chr10:86,921,678, G>T. VCF-style: chr10-86921678-G-T. GRCh37 (hg19) VCF-style: chr10-88681435-G-T.
Other names: c.1325G>T, p.Arg442Leu (NM_001406581.1, NM_001406582.1, NM_001406576.1 and 19 more transcripts); c.1319G>T, p.Arg440Leu (NM_001406583.1); c.1241G>T, p.Arg414Leu (NM_001406584.1, NM_001406585.1, NM_001406586.1 and 2 more transcripts); c.983G>T, p.Arg328Leu (NM_001406589.1); c.1400G>T, p.Arg467Leu (NM_001406559.1); c.1373G>T, p.Arg458Leu (NM_001406560.1); short protein forms R467L, R440L, R458L, R328L, R414L, R442L.
Identifiers: ClinVar variation 4623294 (VCV004623294.2).
Genomic context (GRCh38, chr10:86,921,678, plus strand): 5'-TCCAGCCCTACATCATGGCTGACATCTACAGCTTCGGCCTAATCATTTGGGAGATGGCTC[G>T]TCGTTGTATCACAGGAGGTGGGAGTTTGAGTAGTTTCTGATTATGTTGATTTACTCATCA-3'
Protein context (NP_004320.2, residues 432-452): SFGLIIWEMA[Arg442Leu]RCITGGIVEE

ClinVar aggregate classification (germline): Uncertain significance (1 of 4 stars; one submission).

Conditions:
Hereditary cancer-predisposing syndrome. Also called: Neoplastic Syndromes, Hereditary; Tumor predisposition; Hereditary Cancer Syndrome; Hereditary neoplastic syndrome. Identifiers: Orphanet 140162, MedGen C0027672, MeSH D009386, MONDO:0015356.

Submission:

Ambry Genetics
Classification: Uncertain significance for Hereditary cancer-predisposing syndrome. Last evaluated: 2026-07-29. Review status: criteria provided, single submitter. Criteria: Ambry Variant Classification Scheme 2023. Collection method: clinical testing. Allele origin: germline.
Comment: The p.R442L variant (also known as c.1325G>T), located in coding exon 9 of the BMPR1A gene, results from a G to T substitution at nucleotide position 1325. The arginine at codon 442 is replaced by leucine, an amino acid with dissimilar properties. This amino acid position is highly conserved in available vertebrate species. In addition, this alteration is predicted to be deleterious by in silico analysis. Based on the available evidence, the clinical significance of this variant remains unclear.